The following is an entry in ClinVar:

ClinVar aggregate classification (germline): Likely pathogenic. Review status: criteria provided, single submitter (1 of 4 stars). 2 submissions from 2 submitters: Likely pathogenic (1). 1 of the submissions does not count toward it. Last evaluated 2025-11-17.

Conditions:
Polycystic kidney disease 4 (PKD4). Also called: POLYCYSTIC KIDNEY DISEASE 4 WITH OR WITHOUT POLYCYSTIC LIVER DISEASE; POLYCYSTIC KIDNEY AND HEPATIC DISEASE 1; POLYCYSTIC KIDNEY DISEASE, INFANTILE, TYPE I; PKD3; Autosomal Recessive Polycystic Kidney Disease – PKHD1. Identifiers: MedGen C4540575, MONDO:0033004, OMIM 263200.
Autosomal recessive polycystic kidney disease (ARPKD). Also called: AR polycystic kidney disease. Identifiers: Orphanet 731, Orphanet 8378, MedGen C0085548, MeSH D017044, MONDO:0009889.

Submissions (2):

Natera, Inc.
Classification: Likely pathogenic for Autosomal recessive polycystic kidney disease. Last evaluated: 2025-11-17. Review status: criteria provided, single submitter. Criteria: Natera Variant Classification Schema (03/2026). Collection method: clinical testing. Allele origin: germline.
Comment: The c.5457_5458delTG variant in PKHD1 is a frameshift variant predicted to shift the reading frame and introduce a stop codon. This variant is expected to result in nonsense mediated decay, truncation, or a dysfunctional protein product. This variant is rare in the general population with a frequency below the threshold expected for the associated phenotype(s). Given the available evidence, this variant is classified as Likely Pathogenic.

Counsyl
Classification: Likely pathogenic for Polycystic kidney disease 4. Last evaluated: 2017-10-16. Review status: no assertion criteria provided. Collection method: clinical testing. Allele origin: unknown. Not counted in ClinVar's aggregate classification.

NM_138694.4(PKHD1):c.5457_5458del (p.Cys1819_Asp1820delinsTer)

Gene: PKHD1 (PKHD1 ciliary IPT domain containing fibrocystin/polyductin; minus strand). Cytogenetic location: 6p12.2.
Variant type: Microsatellite.
Coding change: c.5457_5458del on transcript NM_138694.4 (MANE Select); coding-DNA positions 5457 to 5458, 2 bases deleted (TG; older notation c.5457_5458delTG).
Protein change: p.Cys1819_Asp1820delinsTer.
Molecular consequence: nonsense.
Genome position (GRCh38, 1-based): chr6:52,017,552-52,017,553, CA deleted on the plus strand (TG on the coding strand, the reverse complement: PKHD1 is on the minus strand); deleting any 2 consecutive bases within chr6:52,017,552-52,017,556 gives the same sequence; the c. name uses the placement nearest the transcript's 3' end. VCF-style (leftmost placement, unchanged base first): chr6-52017551-TCA-T. GRCh37 (hg19) VCF-style: chr6-51882349-TCA-T.
Other names: c.5457_5458del, p.Cys1819_Asp1820delinsTer (NM_170724.3).
Identifiers: ClinVar variation 554345 (VCV000554345.3), dbSNP rs1554194504, ClinGen allele CA658821521.